The following is an entry in ClinVar:

NM_000540.3(RYR1):c.5628GGA[2] (p.Glu1878del)

Gene: RYR1 (ryanodine receptor 1; plus strand). Cytogenetic location: 19q13.2.
Variant type: Microsatellite.
Coding change: c.5628GGA[2] on transcript NM_000540.3 (MANE Select); two copies in a row of the 3-base unit GGA starting at c.5628; the reference has three copies in a row; one copy, 3 bases deleted; also written c.5634_5636del.
Protein change: p.Glu1878del; deletes glutamic acid 1878.
Molecular consequence: inframe deletion.
Genome position (GRCh38, 1-based): chr19:38,489,263-38,489,265, GGA deleted; deleting any 3 consecutive bases within chr19:38,489,255-38,489,265 gives the same sequence; the position shown is the placement nearest the transcript's 3' end. VCF-style (leftmost placement, unchanged base first): chr19-38489254-AGAG-A. GRCh37 (hg19) VCF-style: chr19-38979894-AGAG-A.
Other names: p.Glu1878del; c.5634_5636delGGA (NM_000540.2, NM_000540.3); c.5634_5636del (NM_000540.3); c.5628GGA[2], p.Glu1878del (NM_001042723.2); short protein forms E1878del.
Identifiers: ClinVar variation 329041 (VCV000329041.32), dbSNP rs371047178, ClinGen allele CA081842.

ClinVar aggregate classification (germline): Conflicting classifications of pathogenicity. Review status: criteria provided, conflicting classifications (1 of 4 stars). 10 submissions from 10 submitters: Likely pathogenic (1); Uncertain significance (3); Likely benign (5). 1 of the submissions does not count toward it. Last evaluated 2026-01-19.

Conditions:
RYR1-related disorder. Also called: RYR1-related condition; RYR1-related disorders. Identifiers: MedGen CN239331.
Central core myopathy (CMYO1A). Also called: Central core disease; Myopathy, central fibrillar; CONGENITAL MYOPATHY 1A, AUTOSOMAL DOMINANT, WITH SUSCEPTIBILITY TO MALIGNANT HYPERTHERMIA. Identifiers: Orphanet 597, MedGen C5830701, MONDO:0007294, OMIM 117000.
Malignant hyperthermia, susceptibility to, 1 (MHS1). Also called: Anesthesia related hyperthermia; Malignant hyperpyrexia; Fulminating hyperpyrexia; Pharmacogenic myopathy; RYR1-Related Malignant Hyperthermia Susceptibility; Malignant hyperthermia suceptibility 1. Identifiers: Orphanet 423, MedGen C2930980, MONDO:0007783, OMIM 145600.

Submissions (10):

Labcorp Genetics (formerly Invitae), Labcorp
Classification: Likely benign for RYR1-related disorder. Last evaluated: 2026-01-19. Review status: criteria provided, single submitter. Criteria: Invitae Variant Classification Sherloc (09022015). Collection method: clinical testing. Allele origin: germline.

Women's Health and Genetics/Laboratory Corporation of America, LabCorp
Classification: Likely benign. Last evaluated: 2024-12-03. Review status: criteria provided, single submitter. Criteria: LabCorp Variant Classification Summary - May 2015. Collection method: clinical testing. Allele origin: germline.
Comment: Variant summary: RYR1 c.5634_5636delGGA (p.Glu1878del) results in an in-frame deletion that is located within a Glu stretch, and shortens it by one amino acid. The variant allele was found at a frequency of 0.00045 in 248600 control chromosomes, predominantly at a frequency of 0.0016 within the South Asian subpopulation in the gnomAD database, including 1 homozygote. The variant, c.5634_5636delGGA, has been reported in the literature in a fetus with sonographic findings as suggesting arthrogryposis multiplex, however no supportive evidence for causality has been provided (Aggarwal_2019, Saini_2022). These reports do not provide unequivocal conclusions about association of the variant with Myopathy, RYR1-Associated. To our knowledge, no experimental evidence demonstrating an impact on protein function has been reported. The following publications have been ascertained in the context of this evaluation (PMID: 31742715, 35587316). ClinVar contains an entry for this variant (Variation ID: 329041). Based on the evidence outlined above, the variant was classified as likely benign.

All of Us Research Program, National Institutes of Health
Classification: Likely benign for Malignant hyperthermia, susceptibility to, 1. Last evaluated: 2024-09-23. Review status: criteria provided, single submitter. Criteria: ACMG Guidelines, 2015. Collection method: clinical testing. Allele origin: germline. Inheritance: Autosomal dominant inheritance. Observed: 98 variant alleles, 98 heterozygotes.
Comment: This study involves interpretation of variants in research participants for the purpose of population health screening. Participant phenotype was not available at the time of variant classification. Additional details can be found in publication PMID: 35346344, PMCID: PMC8962531

Mayo Clinic Laboratories, Mayo Clinic
Classification: Uncertain significance. Last evaluated: 2023-01-12. Review status: criteria provided, single submitter. Criteria: ACMG Guidelines, 2015. Collection method: clinical testing. Allele origin: germline. Observed: 1 variant allele.
Comment: PM4

Color Diagnostics, LLC DBA Color Health
Classification: Likely benign for Malignant hyperthermia, susceptibility to, 1. Last evaluated: 2022-05-05. Review status: criteria provided, single submitter. Criteria: ACMG Guidelines, 2015. Collection method: clinical testing. Allele origin: germline.

Revvity Omics, Revvity
Classification: Uncertain significance. Last evaluated: 2022-04-14. Review status: criteria provided, single submitter. Criteria: ACMG Guidelines, 2015. Collection method: clinical testing. Allele origin: germline.

Diagnostics Division, CENTRE FOR DNA FINGERPRINTING AND DIAGNOSTICS
Classification: Likely pathogenic for Central core myopathy. Last evaluated: 2019-01-01. Review status: criteria provided, single submitter. Criteria: ACMG Guidelines, 2015. Collection method: research. Allele origin: germline. Affected: yes. Observed: 1 compound heterozygote.
Comment: Indel variant

GeneDx
Classification: Likely benign. Last evaluated: 2016-10-19. Review status: criteria provided, single submitter. Criteria: GeneDx Variant Classification (06012015). Collection method: clinical testing. Allele origin: germline. Affected: yes.
Comment: This variant is considered likely benign or benign based on one or more of the following criteria: it is a conservative change, it occurs at a poorly conserved position in the protein, it is predicted to be benign by multiple in silico algorithms, and/or has population frequency not consistent with disease.

Genetic Services Laboratory, University of Chicago
Classification: Uncertain significance. Last evaluated: 2016-07-01. Review status: criteria provided, single submitter. Criteria: ACMG Guidelines, 2015. Collection method: clinical testing. Allele origin: germline. Affected: no.

PreventionGenetics, part of Exact Sciences
Classification: Likely benign for RYR1-related condition. Last evaluated: 2022-09-07. Review status: no assertion criteria provided. Collection method: clinical testing. Allele origin: germline. Not counted in ClinVar's aggregate classification.
Comment: This variant is classified as likely benign based on ACMG/AMP sequence variant interpretation guidelines (Richards et al. 2015 PMID: 25741868, with internal and published modifications).

Literature cited by the submitters: PubMed 35587316 (cited by Women's Health and Genetics/Laboratory Corporation of America, LabCorp and Mayo Clinic Laboratories, Mayo Clinic); PubMed 31742715 (cited by Women's Health and Genetics/Laboratory Corporation of America, LabCorp and Mayo Clinic Laboratories, Mayo Clinic).